The following is an entry in ClinVar:

NM_024537.4(CARS2):c.393+82C>T

Gene: CARS2 (cysteinyl-tRNA synthetase 2, mitochondrial; minus strand). Cytogenetic location: 13q34.
Variant type: single nucleotide variant.
Coding change: c.393+82C>T on transcript NM_024537.4 (MANE Select); 82 bases into the intron after coding-DNA position 393, C replaced by T.
Molecular consequence: intron variant.
Genome position (GRCh38, 1-based): chr13:110,701,356, G>A on the plus strand (C>T on the coding strand, the complement: CARS2 is on the minus strand). VCF-style: chr13-110701356-G-A. GRCh37 (hg19) VCF-style: chr13-111353703-G-A.
Other names: NC_000013.10:g.111353703G>A; c.-607+82C>T (NM_001352252.2); c.393+82C>T (NM_001352253.3).
Identifiers: ClinVar variation 675507 (VCV000675507.3), dbSNP rs9588243, ClinGen allele CA256322705.

ClinVar aggregate classification (germline): Benign. Review status: criteria provided, multiple submitters, no conflicts (2 of 4 stars). 2 submissions from 2 submitters: Benign (2). Last evaluated 2018-06-19.

Allele frequency attached by ClinVar (database versions not stated): gnomAD 0.03931 and 0.03681; gnomAD exomes 0.00582; TOPMed 0.04143; 1000 Genomes Project 0.04732; 1000 Genomes Project 30x 0.04856.
gnomAD v4.1: 9,227 of 734,582 alleles (1.3%); highest among the groups gnomAD compares: African/African-American, 12%; 451 homozygotes.

Submissions (7):

GeneDx
Classification: Benign. Last evaluated: 2018-06-19. Review status: criteria provided, single submitter. Criteria: GeneDx Variant Classification (06012015). Collection method: clinical testing. Allele origin: germline. Affected: yes.
Comment: This variant is considered likely benign or benign based on one or more of the following criteria: it is a conservative change, it occurs at a poorly conserved position in the protein, it is predicted to be benign by multiple in silico algorithms, and/or has population frequency not consistent with disease.

Breakthrough Genomics
Classification: Benign. Review status: criteria provided, single submitter. Criteria: ACMG Guidelines, 2015. Collection method: not provided. Allele origin: germline. Inheritance: Autosomal recessive inheritance. Affected: yes.

Dr. Peter K. Rogan Lab, Western University
No classification provided (evidence only). Condition: Lung cancer. Review status: no classification provided. Collection method: in vitro. Allele origin: not applicable. Functional consequence: retained intron. Not counted in ClinVar's aggregate classification.

Dr. Peter K. Rogan Lab, Western University
No classification provided (evidence only). Condition: Lung cancer. Review status: no classification provided. Collection method: in vitro. Allele origin: not applicable. Functional consequence: retained intron. Not counted in ClinVar's aggregate classification.

Dr. Peter K. Rogan Lab, Western University
No classification provided (evidence only). Condition: Lung cancer. Review status: no classification provided. Collection method: in vitro. Allele origin: not applicable. Functional consequence: retained intron. Not counted in ClinVar's aggregate classification.

Dr. Peter K. Rogan Lab, Western University
No classification provided (evidence only). Condition: Uterine corpus endometrial carcinoma. Review status: no classification provided. Collection method: in vitro. Allele origin: not applicable. Functional consequence: retained intron. Not counted in ClinVar's aggregate classification.

Dr. Peter K. Rogan Lab, Western University
No classification provided (evidence only). Condition: Uterine carcinosarcoma. Review status: no classification provided. Collection method: in vitro. Allele origin: not applicable. Functional consequence: retained intron. Not counted in ClinVar's aggregate classification.